The following is an entry in ClinVar:

NM_001040142.2(SCN2A):c.4279A>G (p.Ile1427Val)

Gene: SCN2A (sodium voltage-gated channel alpha subunit 2; plus strand). Cytogenetic location: 2q24.3.
Variant type: single nucleotide variant.
Coding change: c.4279A>G on transcript NM_001040142.2 (MANE Select); coding-DNA position 4279, A replaced by G.
Protein change: p.Ile1427Val; replaces isoleucine 1427 with valine.
Molecular consequence: missense variant.
Genome position (GRCh38, 1-based): chr2:165,377,621, A>G. VCF-style: chr2-165377621-A-G. GRCh37 (hg19) VCF-style: chr2-166234131-A-G.
Other names: c.4279A>G, p.Ile1427Val (NM_001040143.2, NM_001371246.1, NM_001371247.1 and 1 more transcripts); short protein forms I1427V.
Identifiers: ClinVar variation 3234649 (VCV003234649.20), dbSNP rs2468114051, ClinGen allele CA349033048.

ClinVar aggregate classification (germline): Uncertain significance (1 of 4 stars; one submission).

Allele frequency attached by ClinVar (database versions not stated): gnomAD exomes below 0.00001.
gnomAD v4.1: 2 of 1,607,722 alleles (0.00012%); highest among the groups gnomAD compares: East Asian, 0.0022%; no homozygotes.

Submission:

CeGaT Center for Human Genetics Tuebingen
Classification: Uncertain significance. Last evaluated: 2024-04-01. Review status: criteria provided, single submitter. Criteria: CeGaT Center For Human Genetics Tuebingen Variant Classification Criteria Version 2. Collection method: clinical testing. Allele origin: germline. Affected: yes. Observed: 1 variant allele.
Comment: SCN2A: PM2